The following is an entry in ClinVar:

NM_001267550.2(TTN):c.92146C>T (p.Gln30716Ter)

Genes: TTN-AS1 (TTN antisense RNA 1; plus strand), TTN (titin; minus strand). Cytogenetic location: 2q31.2.
Variant type: single nucleotide variant.
Coding change: c.92146C>T on transcript NM_001267550.2 (MANE Select); coding-DNA position 92146, C replaced by T.
Protein change: p.Gln30716Ter; replaces glutamine 30716 with a stop codon.
Molecular consequence: nonsense.
Genome position (GRCh38, 1-based): chr2:178,549,576, G>A on the plus strand (C>T on the coding strand, the complement: TTN is on the minus strand). VCF-style: chr2-178549576-G-A. GRCh37 (hg19) VCF-style: chr2-179414303-G-A.
Other names: c.87223C>T, p.Gln29075Ter (NM_001256850.1); c.64951C>T, p.Gln21651Ter (NM_003319.4); c.84442C>T, p.Gln28148Ter (NM_133378.4); c.65326C>T, p.Gln21776Ter (NM_133432.3); c.65527C>T, p.Gln21843Ter (NM_133437.4); short protein forms Q21651*, Q21843*, Q29075*, Q28148*, Q21776*, Q30716*.
Identifiers: ClinVar variation 2203216 (VCV002203216.4), dbSNP rs2469168482, ClinGen allele CA349494393.

ClinVar aggregate classification (germline): Likely pathogenic (1 of 4 stars; one submission).

Conditions:
Autosomal recessive limb-girdle muscular dystrophy type 2J (LGMDR10). Also called: Limb-girdle muscular dystrophy, type 2J; MUSCULAR DYSTROPHY, LIMB-GIRDLE, AUTOSOMAL RECESSIVE 10. Identifiers: Orphanet 140922, MedGen C1837342, MONDO:0012127, OMIM 608807.
Dilated cardiomyopathy 1G (CMD1G). Identifiers: Orphanet 154, MedGen C1858763, MONDO:0011400, OMIM 604145.

Submission:

Labcorp Genetics (formerly Invitae), Labcorp
Classification: Likely pathogenic for Dilated cardiomyopathy 1G; Autosomal recessive limb-girdle muscular dystrophy type 2J. Last evaluated: 2025-04-30. Review status: criteria provided, single submitter. Criteria: Invitae Variant Classification Sherloc (09022015). Collection method: clinical testing. Allele origin: germline.
Comment: This sequence change creates a premature translational stop signal (p.Gln30716*) in the TTN gene. While this is not anticipated to result in nonsense mediated decay, it is expected to create a truncated TTN protein. This variant is not present in population databases (gnomAD no frequency). This premature translational stop signal has been observed in individual(s) with dilated cardiomyopathy (PMID: 25163546). ClinVar contains an entry for this variant (Variation ID: 2203216). This variant is located in the A band of TTN (PMID: 25589632). Truncating variants in this region are significantly overrepresented in patients affected with dilated cardiomyopathy (PMID: 25589632). Truncating variants in this region have also been reported in individuals affected with autosomal recessive centronuclear myopathy (PMID: 23975875). In summary, the currently available evidence indicates that the variant is pathogenic, but additional data are needed to prove that conclusively. Therefore, this variant has been classified as Likely Pathogenic.

Literature cited by the submitters: PubMed 25163546; PubMed 25589632; PubMed 23975875.